The following is an entry in ClinVar:

ClinVar aggregate classification (germline): Uncertain significance. Review status: criteria provided, multiple submitters, no conflicts (2 of 4 stars). 2 submissions from 2 submitters: Uncertain significance (2). Last evaluated 2025-11-18.

Conditions:
Hypertrophic cardiomyopathy 1 (CMH1). Also called: Familial hypertrophic cardiomyopathy 1; MYH7-Related Familial Hypertrophic Cardiomyopathy. Identifiers: MedGen C3495498, MONDO:0008647, OMIM 192600.
MYLK2-related disorder. Also called: MYLK2-related condition.

gnomAD v4.1: 7 of 1,613,896 alleles (0.00043%); highest among the groups gnomAD compares: South Asian, 0.0022%; no homozygotes.

Submissions (2):

Labcorp Genetics (formerly Invitae), Labcorp
Classification: Uncertain significance for Hypertrophic cardiomyopathy 1. Last evaluated: 2025-11-18. Review status: criteria provided, single submitter. Criteria: Invitae Variant Classification Sherloc (09022015). Collection method: clinical testing. Allele origin: germline.
Comment: This sequence change replaces glycine, which is neutral and non-polar, with serine, which is neutral and polar, at codon 478 of the MYLK2 protein (p.Gly478Ser). This variant is not present in population databases (gnomAD no frequency). This variant has not been reported in the literature in individuals affected with MYLK2-related conditions. ClinVar contains an entry for this variant (Variation ID: 2628626). Invitae Evidence Modeling of protein sequence and biophysical properties (such as structural, functional, and spatial information, amino acid conservation, physicochemical variation, residue mobility, and thermodynamic stability) indicates that this missense variant is not expected to disrupt MYLK2 protein function with a negative predictive value of 80%. In summary, the available evidence is currently insufficient to determine the role of this variant in disease. Therefore, it has been classified as a Variant of Uncertain Significance.

PreventionGenetics, part of Exact Sciences
Classification: Uncertain significance for MYLK2-related condition. Last evaluated: 2023-09-23. Review status: criteria provided, single submitter. Criteria: ACMG Guidelines, 2015. Collection method: clinical testing. Allele origin: germline.
Comment: The MYLK2 c.1432G>A variant is predicted to result in the amino acid substitution p.Gly478Ser. To our knowledge, this variant has not been reported in the literature or in a large population database, indicating this variant is rare. At this time, the clinical significance of this variant is uncertain due to the absence of conclusive functional and genetic evidence.

NM_033118.4(MYLK2):c.1432G>A (p.Gly478Ser)

Gene: MYLK2 (myosin light chain kinase 2; plus strand). Cytogenetic location: 20q11.21.
Variant type: single nucleotide variant.
Coding change: c.1432G>A on transcript NM_033118.4 (MANE Select); coding-DNA position 1432, G replaced by A.
Protein change: p.Gly478Ser; replaces glycine 478 with serine.
Molecular consequence: missense variant.
Genome position (GRCh38, 1-based): chr20:31,831,710, G>A. VCF-style: chr20-31831710-G-A. GRCh37 (hg19) VCF-style: chr20-30419513-G-A.
Other names: short protein forms G478S.
Identifiers: ClinVar variation 2628626 (VCV002628626.4), dbSNP rs1031638117, ClinGen allele CA313851836.